The following is an entry in ClinVar:

NM_000257.4(MYH7):c.3634C>T (p.Arg1212Trp)

Gene: MYH7 (myosin heavy chain 7; minus strand). Cytogenetic location: 14q11.2.
Variant type: single nucleotide variant.
Coding change: c.3634C>T on transcript NM_000257.4 (MANE Select); coding-DNA position 3634, C replaced by T.
Protein change: p.Arg1212Trp; replaces arginine 1212 with tryptophan.
Molecular consequence: missense variant.
Genome position (GRCh38, 1-based): chr14:23,419,937, G>A on the plus strand (C>T on the coding strand, the complement: MYH7 is on the minus strand). VCF-style: chr14-23419937-G-A. GRCh37 (hg19) VCF-style: chr14-23889146-G-A.
Other names: short protein forms R1212W.
Identifiers: ClinVar variation 523704 (VCV000523704.15), dbSNP rs1555337102, ClinGen allele CA389043221.

ClinVar aggregate classification (germline): Conflicting classifications of pathogenicity. Review status: criteria provided, conflicting classifications (1 of 4 stars). 5 submissions from 5 submitters: Likely pathogenic (1); Uncertain significance (4). Last evaluated 2025-08-12.

Conditions:
Dilated cardiomyopathy 1S (CMD1S). Identifiers: Orphanet 154, Orphanet 54260, MedGen C1834481, MONDO:0013262, OMIM 613426.
Hypertrophic cardiomyopathy. Also called: HYPERTROPHIC MYOCARDIOPATHY. Identifiers: Orphanet 217569, MedGen C0007194, MeSH D002312, MONDO:0005045, HP:0001639.
Cardiovascular phenotype. Identifiers: MedGen CN230736.

Allele frequency attached by ClinVar (database versions not stated): TOPMed below 0.00001; gnomAD exomes 0.00001.
gnomAD v4.1: 11 of 1,611,040 alleles (0.00068%); highest among the groups gnomAD compares: Non-Finnish European, 0.00085%; no homozygotes.

Submissions (5):

Ambry Genetics
Classification: Uncertain significance for Cardiovascular phenotype. Last evaluated: 2025-08-12. Review status: criteria provided, single submitter. Criteria: Ambry Variant Classification Scheme 2023. Collection method: clinical testing. Allele origin: germline.
Comment: The p.R1212W variant (also known as c.3634C>T), located in coding exon 25 of the MYH7 gene, results from a C to T substitution at nucleotide position 3634. The arginine at codon 1212 is replaced by tryptophan, an amino acid with dissimilar properties. This amino acid position is highly conserved in available vertebrate species. In addition, this alteration is predicted to be deleterious by in silico analysis. Based on the available evidence, the clinical significance of this variant remains unclear.

Labcorp Genetics (formerly Invitae), Labcorp
Classification: Uncertain significance for Hypertrophic cardiomyopathy. Last evaluated: 2024-07-11. Review status: criteria provided, single submitter. Criteria: Invitae Variant Classification Sherloc (09022015). Collection method: clinical testing. Allele origin: germline.
Comment: This sequence change replaces arginine, which is basic and polar, with tryptophan, which is neutral and slightly polar, at codon 1212 of the MYH7 protein (p.Arg1212Trp). This variant is not present in population databases (gnomAD no frequency). This variant has not been reported in the literature in individuals affected with MYH7-related conditions. ClinVar contains an entry for this variant (Variation ID: 523704). Advanced modeling of protein sequence and biophysical properties (such as structural, functional, and spatial information, amino acid conservation, physicochemical variation, residue mobility, and thermodynamic stability) performed at Invitae indicates that this missense variant is expected to disrupt MYH7 protein function with a positive predictive value of 95%. In summary, the available evidence is currently insufficient to determine the role of this variant in disease. Therefore, it has been classified as a Variant of Uncertain Significance.

North West Genomic Laboratory Hub, Manchester University NHS Foundation Trust
Classification: Likely pathogenic for Dilated cardiomyopathy 1S. Last evaluated: 2024-02-28. Review status: criteria provided, single submitter. Criteria: ACGS Best Practice Guidelines for Variant Classification in Rare Disease 2020. Collection method: clinical testing. Allele origin: germline. Affected: yes.
Comment: PP1_Str PP3_Supp PS4_Str

Agnes Ginges Centre for Molecular Cardiology, Centenary Institute
Classification: Uncertain significance for Dilated cardiomyopathy 1S. Last evaluated: 2018-07-11. Review status: criteria provided, single submitter. Criteria: ACMG Guidelines, 2015. Collection method: research. Allele origin: germline. Inheritance: Autosomal dominant inheritance. Affected: yes.
Comment: MYH7 Arg1212Trp has been previously identified in an LVNC proband (Molecular Diagnostic Laboratory for Inherited Cardiovascular Disease, MHI, ClinVar:SCV000747980.1). The variant is absent in the Genome Aggregation Database. Computational tools SIFT, PolyPhen-2 and MutationTaster predict this variant to be deleterious. Based on the adapted ACMG guidelines (Kelly MA, et al., 2018), this variant is rare in the general population (PM2), segregates with disease in the family (PP1) and in silico tools predict it to deleterious (PP3), therefore we classify MYH7 Arg1212Trp as a variant of 'uncertain significance'.

Molecular Diagnostic Laboratory for Inherited Cardiovascular Disease, Montreal Heart Institute
Classification: Uncertain significance. Last evaluated: 2017-03-01. Review status: criteria provided, single submitter. Criteria: ACMG Guidelines, 2015. Collection method: clinical testing. Allele origin: germline. Affected: yes.

Literature cited by the submitters: PubMed 36243179 (cited by North West Genomic Laboratory Hub, Manchester University NHS Foundation Trust); PubMed 34542152 (cited by North West Genomic Laboratory Hub, Manchester University NHS Foundation Trust).